The following is an entry in ClinVar:

ClinVar aggregate classification (germline): Uncertain significance (1 of 4 stars; one submission).

Conditions:
Emery-Dreifuss muscular dystrophy 4, autosomal dominant (EDMD4). Also called: EMERY-DREIFUSS MUSCULAR DYSTROPHY 4 WITH VARIABLE FEATURES. Identifiers: Orphanet 261, MedGen C2751807, MONDO:0013071, OMIM 612998.
Autosomal recessive ataxia, Beauce type. Also called: SYNE1 Deficiency; Spinocerebellar ataxia, autosomal recessive 8; ATAXIA, RECESSIVE, OF BEAUCE; SYNE1-Related Autosomal Recessive Cerebellar Ataxia. Identifiers: Orphanet 88644, MedGen C1853116, MONDO:0012549, OMIM 610743.

Allele frequency attached by ClinVar (database versions not stated): gnomAD exomes below 0.00001.
gnomAD v4.1: 1 of 1,614,108 alleles (0.000062%); highest among the groups gnomAD compares: African/African-American, 0.0013%; no homozygotes.

Submission:

Labcorp Genetics (formerly Invitae), Labcorp
Classification: Uncertain significance for Emery-Dreifuss muscular dystrophy 4, autosomal dominant; Autosomal recessive ataxia, Beauce type. Last evaluated: 2022-05-23. Review status: criteria provided, single submitter. Criteria: Invitae Variant Classification Sherloc (09022015). Collection method: clinical testing. Allele origin: germline.
Comment: In summary, the available evidence is currently insufficient to determine the role of this variant in disease. Therefore, it has been classified as a Variant of Uncertain Significance. Algorithms developed to predict the effect of missense changes on protein structure and function (SIFT, PolyPhen-2, Align-GVGD) all suggest that this variant is likely to be disruptive. This variant has not been reported in the literature in individuals affected with SYNE1-related conditions. This variant is not present in population databases (gnomAD no frequency). This sequence change replaces glycine, which is neutral and non-polar, with arginine, which is basic and polar, at codon 6103 of the SYNE1 protein (p.Gly6103Arg).

NM_182961.4(SYNE1):c.18520G>A (p.Gly6174Arg)

Gene: SYNE1 (spectrin repeat containing nuclear envelope protein 1; minus strand). Cytogenetic location: 6q25.2.
Variant type: single nucleotide variant.
Coding change: c.18520G>A on transcript NM_182961.4 (MANE Select); coding-DNA position 18520, G replaced by A.
Protein change: p.Gly6174Arg; replaces glycine 6174 with arginine.
Molecular consequence: missense variant.
Genome position (GRCh38, 1-based): chr6:152,278,142, C>T on the plus strand (G>A on the coding strand, the complement: SYNE1 is on the minus strand). VCF-style: chr6-152278142-C-T. GRCh37 (hg19) VCF-style: chr6-152599277-C-T.
Other names: c.18307G>A, p.Gly6103Arg (NM_033071.5); short protein forms G6103R, G6174R.
Identifiers: ClinVar variation 1984535 (VCV001984535.4), dbSNP rs1589228379, ClinGen allele CA366094613.
Genomic context (GRCh38, chr6:152,278,142, plus strand): 5'-CCCTCACCTGCATGTTGAGCTGCTTATCATGCAGGGCTCTCTGCAGCTCCAGCAGGCTCC[C>T]CTTGAGCCTTCTCAGCTTTCCAGCCAGCTGCTCGGCCTCGTCCTTGGTGTGAGCTTTGCC-3'
Protein context (NP_892006.3, residues 6164-6184): QLAGKLRRLK[Gly6174Arg]SLLELQRALH